The following is an entry in ClinVar:

ClinVar aggregate classification (germline): Conflicting classifications of pathogenicity. Review status: criteria provided, conflicting classifications (1 of 4 stars). 2 submissions from 2 submitters: Uncertain significance (1); Likely benign (1). Last evaluated 2026-07-30.

Conditions:
Renal cell carcinoma. Identifiers: Orphanet 217071, MedGen C0007134, MeSH D002292, MONDO:0005086, HP:0005584.
Hereditary cancer-predisposing syndrome. Also called: Tumor predisposition; Neoplastic Syndromes, Hereditary; Hereditary Cancer Syndrome; Hereditary neoplastic syndrome. Identifiers: Orphanet 140162, MedGen C0027672, MeSH D009386, MONDO:0015356.

Allele frequency attached by ClinVar (database versions not stated): ExAC 0.00001; gnomAD exomes 0.00001 and below 0.00001.
gnomAD v4.1: 10 of 1,614,150 alleles (0.00062%); highest among the groups gnomAD compares: Non-Finnish European, 0.000085%; no homozygotes.

Submissions (2):

Ambry Genetics
Classification: Likely benign for Hereditary cancer-predisposing syndrome. Last evaluated: 2026-07-30. Review status: criteria provided, single submitter. Criteria: Ambry Variant Classification Scheme 2023. Collection method: clinical testing. Allele origin: germline.

Labcorp Genetics (formerly Invitae), Labcorp
Classification: Uncertain significance for Renal cell carcinoma. Last evaluated: 2015-05-28. Review status: criteria provided, single submitter. Criteria: Invitae Variant Classification Sherloc (09022015). Collection method: clinical testing. Allele origin: germline.
Comment: In summary, this is a rare missense change that is not predicted to affect protein function or cause disease. However the evidence is insufficient at this time to prove that conclusively. Therefore, it has been classified as a Variant of Uncertain Significance. This variant has not been published in the literature and is present in population databases (rs199542598, 0.015%). Algorithms developed to predict the effect of missense changes on protein structure and function (SIFT, PolyPhen-2, Align-GVGD) all suggest that this variant is likely to be tolerated, but these predictions have not been confirmed by published functional studies. In addition, the leucine amino acid residue is found in multiple mammalian species, also suggesting that this missense change does not adversely affect protein function. This sequence change replaces phenylalanine with leucine at codon 590 of the MET protein (p.Phe590Leu). The phenylalanine residue is highly conserved and there is a small physicochemical difference between phenylalanine and leucine.

NM_000245.4(MET):c.1770T>G (p.Phe590Leu)

Gene: MET (MET proto-oncogene, receptor tyrosine kinase; plus strand). Cytogenetic location: 7q31.2.
Variant type: single nucleotide variant.
Coding change: c.1770T>G on transcript NM_000245.4 (MANE Select); coding-DNA position 1770, T replaced by G.
Protein change: p.Phe590Leu; replaces phenylalanine 590 with leucine.
Molecular consequence: missense variant.
Genome position (GRCh38, 1-based): chr7:116,755,423, T>G. VCF-style: chr7-116755423-T-G. GRCh37 (hg19) VCF-style: chr7-116395477-T-G.
Other names: c.1770T>G, p.Phe590Leu (NM_001127500.3, NM_001324401.3); c.480T>G, p.Phe160Leu (NM_001324402.2); short protein forms F590L, F160L.
Identifiers: ClinVar variation 216502 (VCV000216502.15), dbSNP rs199542598, ClinGen allele CA339491.